The following is an entry in ClinVar:

NM_133372.3(FNIP1):c.2105C>G (p.Thr702Arg)

Gene: FNIP1 (folliculin interacting protein 1; minus strand). Cytogenetic location: 5q31.1.
Variant type: single nucleotide variant.
Coding change: c.2105C>G on transcript NM_133372.3 (MANE Select); coding-DNA position 2105, C replaced by G.
Protein change: p.Thr702Arg; replaces threonine 702 with arginine.
Molecular consequence: missense variant.
Genome position (GRCh38, 1-based): chr5:131,672,339, G>C on the plus strand (C>G on the coding strand, the complement: FNIP1 is on the minus strand). VCF-style: chr5-131672339-G-C. GRCh37 (hg19) VCF-style: chr5-131008032-G-C.
Other names: c.2021C>G, p.Thr674Arg (NM_001008738.3); c.1970C>G, p.Thr657Arg (NM_001346114.2); short protein forms T657R, T702R, T674R.
Identifiers: ClinVar variation 2093035 (VCV002093035.4), dbSNP rs775757670, ClinGen allele CA360791307.
Genomic context (GRCh38, chr5:131,672,339, plus strand): 5'-ATTGCTTTGCCTGTGTGACTGTCTGAATCCAGCAACTTCTCACTCTGCCATGTTTCCTCT[G>C]TTGACTCTAAGCCTGACTCTGACAATGCACATTTGTCTACTGGAACAGATCCTGTGCAAA-3'
Protein context (NP_588613.3, residues 692-712): CALSESGLES[Thr702Arg]EETWQSEKLL

ClinVar aggregate classification (germline): Uncertain significance (1 of 4 stars; one submission).

Submission:

Labcorp Genetics (formerly Invitae), Labcorp
Classification: Uncertain significance. Last evaluated: 2022-06-22. Review status: criteria provided, single submitter. Criteria: Invitae Variant Classification Sherloc (09022015). Collection method: clinical testing. Allele origin: germline.
Comment: In summary, the available evidence is currently insufficient to determine the role of this variant in disease. Therefore, it has been classified as a Variant of Uncertain Significance. Algorithms developed to predict the effect of missense changes on protein structure and function (SIFT, PolyPhen-2, Align-GVGD) all suggest that this variant is likely to be tolerated. This variant has not been reported in the literature in individuals affected with FNIP1-related conditions. This variant is not present in population databases (gnomAD no frequency). This sequence change replaces threonine, which is neutral and polar, with arginine, which is basic and polar, at codon 702 of the FNIP1 protein (p.Thr702Arg).